The following is an entry in ClinVar:

NM_005228.5(EGFR):c.628+1G>A

Gene: EGFR (epidermal growth factor receptor; plus strand). Cytogenetic location: 7p11.2.
Variant type: single nucleotide variant.
Coding change: c.628+1G>A on transcript NM_005228.5 (MANE Select); the canonical splice donor site of the intron after coding-DNA position 628, G replaced by A.
Molecular consequence: splice donor variant. On other transcripts: intron variant (1).
Genome position (GRCh38, 1-based): chr7:55,151,363, G>A. VCF-style: chr7-55151363-G-A. GRCh37 (hg19) VCF-style: chr7-55219056-G-A.
Other names: c.493+1G>A (NM_001346899.2, NM_001346897.2); c.89-4467G>A (NM_001346941.2); c.628+1G>A (NM_001346898.2, NM_201284.2, NM_201282.2 and 2 more transcripts); c.469+1G>A (NM_001346900.2).
Identifiers: ClinVar variation 3619883 (VCV003619883.3).

ClinVar aggregate classification (germline): Conflicting classifications of pathogenicity. Review status: criteria provided, conflicting classifications (1 of 4 stars). 2 submissions from 2 submitters: Likely pathogenic (1); Uncertain significance (1). Last evaluated 2026-02-03.

Conditions:
EGFR-related lung cancer (EGFR). Identifiers: MedGen CN130014.
Hereditary cancer-predisposing syndrome. Also called: Neoplastic Syndromes, Hereditary; Hereditary Cancer Syndrome; Hereditary neoplastic syndrome; Tumor predisposition. Identifiers: Orphanet 140162, MedGen C0027672, MeSH D009386, MONDO:0015356.

gnomAD v4.1: 8 of 1,614,040 alleles (0.0005%); highest among the groups gnomAD compares: Non-Finnish European, 0.00068%; no homozygotes.

Submissions (2):

Ambry Genetics
Classification: Uncertain significance for Hereditary cancer-predisposing syndrome. Last evaluated: 2026-02-03. Review status: criteria provided, single submitter. Criteria: Ambry Variant Classification Scheme 2023. Collection method: clinical testing. Allele origin: germline.
Comment: The c.628+1G>A intronic variant results from a G to A substitution one nucleotide after coding exon 5 of the EGFR gene. Variants that disrupt the canonical splice site are expected to result in aberrant splicing. In silico splice site analysis predicts that this alteration will weaken the native splice donor site. A resulting transcript is predicted to be in-frame and is not expected to trigger nonsense-mediated mRNAdecay; although, direct evidence is unavailable. This nucleotide position is highly conserved in available vertebrate species. Based on the available evidence, the clinical significance of this variant remains unclear.

Labcorp Genetics (formerly Invitae), Labcorp
Classification: Likely pathogenic for EGFR-related lung cancer. Last evaluated: 2024-03-06. Review status: criteria provided, single submitter. Criteria: Invitae Variant Classification Sherloc (09022015). Collection method: clinical testing. Allele origin: germline.
Comment: This sequence change affects a donor splice site in intron 5 of the EGFR gene. It is expected to disrupt RNA splicing. Variants that disrupt the donor or acceptor splice site typically lead to a loss of protein function (PMID: 16199547), and loss-of-function variants in EGFR are known to be pathogenic (PMID: 7630400, 28726809, 29899996). This variant is present in population databases (no rsID available, gnomAD 0.007%). This variant has not been reported in the literature in individuals affected with EGFR-related conditions. Algorithms developed to predict the effect of sequence changes on RNA splicing suggest that this variant may disrupt the consensus splice site. In summary, the currently available evidence indicates that the variant is pathogenic, but additional data are needed to prove that conclusively. Therefore, this variant has been classified as Likely Pathogenic.

Literature cited by the submitters: PubMed 16199547 (cited by Labcorp Genetics (formerly Invitae), Labcorp); PubMed 7630400 (cited by Labcorp Genetics (formerly Invitae), Labcorp); PubMed 28726809 (cited by Labcorp Genetics (formerly Invitae), Labcorp); PubMed 29899996 (cited by Labcorp Genetics (formerly Invitae), Labcorp).